The following is an entry in ClinVar:

ClinVar aggregate classification (germline): Uncertain significance (1 of 4 stars; one submission).

Conditions:
Ullrich congenital muscular dystrophy 2 (UCMD2). Identifiers: Orphanet 75840, MedGen C4225314, MONDO:0014654, OMIM 616470.
Bethlem myopathy 2 (BTHLM2). Identifiers: Orphanet 536516, Orphanet 610, MedGen C4225313, MONDO:0034022, OMIM 616471.

Submission:

Labcorp Genetics (formerly Invitae), Labcorp
Classification: Uncertain significance for Bethlem myopathy 2; Ullrich congenital muscular dystrophy 2. Last evaluated: 2021-09-11. Review status: criteria provided, single submitter. Criteria: Invitae Variant Classification Sherloc (09022015). Collection method: clinical testing. Allele origin: germline.
Comment: This sequence change falls in intron 52 of the COL12A1 gene. It does not directly change the encoded amino acid sequence of the COL12A1 protein. It affects a nucleotide within the consensus splice site of the intron. This variant is not present in population databases (ExAC no frequency). This variant has not been reported in the literature in individuals with COL12A1-related conditions. Nucleotide substitutions within the consensus splice site are a relatively common cause of aberrant splicing (PMID: 17576681, 9536098). Algorithms developed to predict the effect of sequence changes on RNA splicing suggest that this variant may disrupt the consensus splice site, but this prediction has not been confirmed by published transcriptional studies. In summary, the available evidence is currently insufficient to determine the role of this variant in disease. Therefore, it has been classified as a Variant of Uncertain Significance.

Literature cited by the submitters: PubMed 17576681; PubMed 9536098.

NM_004370.6(COL12A1):c.8100+4A>T

Gene: COL12A1 (collagen type XII alpha 1 chain; minus strand). Cytogenetic location: 6q13.
Variant type: single nucleotide variant.
Coding change: c.8100+4A>T on transcript NM_004370.6 (MANE Select); 4 bases into the intron after coding-DNA position 8100, A replaced by T.
Molecular consequence: intron variant.
Genome position (GRCh38, 1-based): chr6:75,109,014, T>A on the plus strand (A>T on the coding strand, the complement: COL12A1 is on the minus strand). VCF-style: chr6-75109014-T-A. GRCh37 (hg19) VCF-style: chr6-75818730-T-A.
Other names: c.4608+4A>T (NM_080645.3).
Identifiers: ClinVar variation 1386582 (VCV001386582.6), dbSNP rs2149352934, ClinGen allele CA2573141220.